The following is an entry in ClinVar:

ClinVar aggregate classification (germline): Uncertain significance (1 of 4 stars; one submission).

Conditions:
DNA ligase IV deficiency. Identifiers: Orphanet 99812, MedGen C1847827, MONDO:0011686, OMIM 606593.

Allele frequency attached by ClinVar (database versions not stated): gnomAD exomes below 0.00001; ExAC 0.00001; gnomAD 0.00001.

Submission:

Labcorp Genetics (formerly Invitae), Labcorp
Classification: Uncertain significance for DNA ligase IV deficiency. Last evaluated: 2021-08-31. Review status: criteria provided, single submitter. Criteria: Invitae Variant Classification Sherloc (09022015). Collection method: clinical testing. Allele origin: germline.
Comment: This sequence change replaces glutamic acid with lysine at codon 684 of the LIG4 protein (p.Glu684Lys). The glutamic acid residue is moderately conserved and there is a small physicochemical difference between glutamic acid and lysine. This variant is present in population databases (rs768218603, ExAC 0.01%). This variant has not been reported in the literature in individuals affected with LIG4-related conditions. Algorithms developed to predict the effect of missense changes on protein structure and function (SIFT, PolyPhen-2, Align-GVGD) all suggest that this variant is likely to be tolerated. In summary, the available evidence is currently insufficient to determine the role of this variant in disease. Therefore, it has been classified as a Variant of Uncertain Significance.

NM_206937.2(LIG4):c.2050G>A (p.Glu684Lys)

Gene: LIG4 (DNA ligase 4; minus strand). Cytogenetic location: 13q33.3.
Variant type: single nucleotide variant.
Coding change: c.2050G>A on transcript NM_206937.2 (MANE Select); coding-DNA position 2050, G replaced by A.
Protein change: p.Glu684Lys; replaces glutamic acid 684 with lysine.
Molecular consequence: missense variant.
Genome position (GRCh38, 1-based): chr13:108,209,219, C>T on the plus strand (G>A on the coding strand, the complement: LIG4 is on the minus strand). VCF-style: chr13-108209219-C-T. GRCh37 (hg19) VCF-style: chr13-108861567-C-T.
Other names: c.2050G>A, p.Glu684Lys (NM_001098268.2, NM_001352598.2, NM_001352599.2 and 6 more transcripts); c.1849G>A, p.Glu617Lys (NM_001330595.2); c.2086G>A, p.Glu696Lys (NM_001352604.2); short protein forms E684K, E696K, E617K.
Identifiers: ClinVar variation 1522416 (VCV001522416.5), dbSNP rs768218603, ClinGen allele CA7043563.